The following is an entry in ClinVar:

NM_002691.4(POLD1):c.790A>G (p.Asn264Asp)

Gene: POLD1 (DNA polymerase delta 1, catalytic subunit; plus strand). Cytogenetic location: 19q13.33.
Variant type: single nucleotide variant.
Coding change: c.790A>G on transcript NM_002691.4 (MANE Select); coding-DNA position 790, A replaced by G.
Protein change: p.Asn264Asp; replaces asparagine 264 with aspartic acid.
Molecular consequence: missense variant. On other transcripts: non-coding transcript variant (1).
Genome position (GRCh38, 1-based): chr19:50,402,485, A>G. VCF-style: chr19-50402485-A-G. GRCh37 (hg19) VCF-style: chr19-50905742-A-G.
Other names: c.790A>G, p.Asn264Asp (NM_001256849.1, NM_001308632.1, NM_001438210.1 and 3 more transcripts); short protein forms N264D.
Identifiers: ClinVar variation 4862190 (VCV004862190.1).
Genomic context (GRCh38, chr19:50,402,485, plus strand): 5'-CCTGTCCACTGACCCCCAGCCCCCTCCAGGTTCATGGTGGACACGGACATCGTCGGCTGC[A>G]ACTGGCTGGAGCTCCCAGCTGGGAAATACGCCCTGAGGCTGAAGGAGAAGGTGCAGGGCT-3'
Protein context (NP_002682.2, residues 254-274): FMVDTDIVGC[Asn264Asp]WLELPAGKYA

ClinVar aggregate classification (germline): Uncertain significance (1 of 4 stars; one submission).

Conditions:
Hereditary cancer-predisposing syndrome. Also called: Neoplastic Syndromes, Hereditary; Tumor predisposition; Hereditary Cancer Syndrome; Hereditary neoplastic syndrome. Identifiers: Orphanet 140162, MedGen C0027672, MeSH D009386, MONDO:0015356.

Submission:

Ambry Genetics
Classification: Uncertain significance for Hereditary cancer-predisposing syndrome. Last evaluated: 2026-04-28. Review status: criteria provided, single submitter. Criteria: Ambry Variant Classification Scheme 2023. Collection method: clinical testing. Allele origin: germline.
Comment: The p.N264D variant (also known as c.790A>G), located in coding exon 6 of the POLD1 gene, results from an A to G substitution at nucleotide position 790. The asparagine at codon 264 is replaced by aspartic acid, an amino acid with highly similar properties. This amino acid position is conserved. In addition, this alteration is predicted to be tolerated by in silico analysis. Based on the available evidence, the clinical significance of this variant remains unclear.